The following is an entry in ClinVar:

ClinVar aggregate classification (germline): Uncertain significance. Review status: criteria provided, multiple submitters, no conflicts (2 of 4 stars). 3 submissions from 3 submitters: Uncertain significance (3). Last evaluated 2025-10-15.

Conditions:
FANCA-related disorder. Also called: FANCA-related condition.
Inborn genetic diseases. Identifiers: MedGen C0950123, MeSH D030342.
Fanconi anemia (FA). Also called: Fanconi's anemia. Identifiers: Orphanet 84, MedGen C0015625, MeSH D005199, MONDO:0019391.

gnomAD v4.1: 12 of 1,613,946 alleles (0.00074%); highest among the groups gnomAD compares: African/African-American, 0.004%; no homozygotes.

Submissions (3):

Ambry Genetics
Classification: Uncertain significance for Inborn genetic diseases. Last evaluated: 2025-10-15. Review status: criteria provided, single submitter. Criteria: Ambry Variant Classification Scheme 2023. Collection method: clinical testing. Allele origin: germline.
Comment: The p.P259S variant (also known as c.775C>T), located in coding exon 8 of the FANCA gene, results from a C to T substitution at nucleotide position 775. The proline at codon 259 is replaced by serine, an amino acid with similar properties. This amino acid position is conserved. In addition, this alteration is predicted to be tolerated by in silico analysis. Based on the available evidence, the clinical significance of this variant remains unclear.

PreventionGenetics, part of Exact Sciences
Classification: Uncertain significance for FANCA-related condition. Last evaluated: 2022-11-29. Review status: criteria provided, single submitter. Criteria: ACMG Guidelines, 2015. Collection method: clinical testing. Allele origin: germline.
Comment: The FANCA c.775C>T variant is predicted to result in the amino acid substitution p.Pro259Ser. To our knowledge, this variant has not been reported in the literature. This variant is reported in 0.0080% of alleles in individuals of African descent in gnomAD. At this time, the clinical significance of this variant is uncertain due to the absence of conclusive functional and genetic evidence.

Labcorp Genetics (formerly Invitae), Labcorp
Classification: Uncertain significance for Fanconi anemia. Last evaluated: 2022-03-05. Review status: criteria provided, single submitter. Criteria: Invitae Variant Classification Sherloc (09022015). Collection method: clinical testing. Allele origin: germline.
Comment: This sequence change replaces proline, which is neutral and non-polar, with serine, which is neutral and polar, at codon 259 of the FANCA protein (p.Pro259Ser). This variant is present in population databases (rs200988394, gnomAD 0.008%). This variant has not been reported in the literature in individuals affected with FANCA-related conditions. Advanced modeling of protein sequence and biophysical properties (such as structural, functional, and spatial information, amino acid conservation, physicochemical variation, residue mobility, and thermodynamic stability) performed at Invitae indicates that this missense variant is not expected to disrupt FANCA protein function. In summary, the available evidence is currently insufficient to determine the role of this variant in disease. Therefore, it has been classified as a Variant of Uncertain Significance.

NM_000135.4(FANCA):c.775C>T (p.Pro259Ser)

Gene: FANCA (FA complementation group A; minus strand). Cytogenetic location: 16q24.3.
Variant type: single nucleotide variant.
Coding change: c.775C>T on transcript NM_000135.4 (MANE Select); coding-DNA position 775, C replaced by T.
Protein change: p.Pro259Ser; replaces proline 259 with serine.
Molecular consequence: missense variant.
Genome position (GRCh38, 1-based): chr16:89,803,276, G>A on the plus strand (C>T on the coding strand, the complement: FANCA is on the minus strand). VCF-style: chr16-89803276-G-A. GRCh37 (hg19) VCF-style: chr16-89869684-G-A.
Other names: c.775C>T, p.Pro259Ser (NM_001018112.3, NM_001286167.3); c.679C>T, p.Pro227Ser (NM_001351830.2); short protein forms P259S, P227S.
Identifiers: ClinVar variation 2176623 (VCV002176623.3), dbSNP rs200988394, ClinGen allele CA8252814.